The following is an entry in ClinVar:

NM_006766.5(KAT6A):c.2498A>G (p.Lys833Arg)

Gene: KAT6A (lysine acetyltransferase 6A; minus strand). Cytogenetic location: 8p11.21.
Variant type: single nucleotide variant.
Coding change: c.2498A>G on transcript NM_006766.5 (MANE Select); coding-DNA position 2498, A replaced by G.
Protein change: p.Lys833Arg; replaces lysine 833 with arginine.
Molecular consequence: missense variant.
Genome position (GRCh38, 1-based): chr8:41,941,383, T>C on the plus strand (A>G on the coding strand, the complement: KAT6A is on the minus strand). VCF-style: chr8-41941383-T-C. GRCh37 (hg19) VCF-style: chr8-41798901-T-C.
Other names: c.2498A>G (NM_006766.4); short protein forms K833R.
Identifiers: ClinVar variation 1695548 (VCV001695548.4), dbSNP rs1822125326, ClinGen allele CA371072293.
Genomic context (GRCh38, chr8:41,941,383, plus strand): 5'-TGAGGAAGGACTTGTTTGCTCAAACGTGTAGAACTGACTGGAGCCATAACTTCTGGTTTC[T>C]TTTCACTTTCTACTGAATAAGAATCTTGTTCTTTGTTCTCATGAGACACAGACTTTCCCA-3'
Protein context (NP_006757.2, residues 823-843): EQDSYSVESE[Lys833Arg]KPEVMAPVSS

ClinVar aggregate classification (germline): Uncertain significance. Review status: criteria provided, single submitter (1 of 4 stars). 2 submissions from 2 submitters: Uncertain significance (1). 1 of the submissions does not count toward it. Last evaluated 2024-09-30.

Conditions:
KAT6A-related disorder. Also called: KAT6A-related condition.

Submissions (2):

GeneDx
Classification: Uncertain significance. Last evaluated: 2024-09-30. Review status: criteria provided, single submitter. Criteria: GeneDx Variant Classification Process June 2021. Collection method: clinical testing. Allele origin: germline. Affected: yes.
Comment: Not observed at significant frequency in large population cohorts (gnomAD); In silico analysis indicates that this missense variant does not alter protein structure/function; Has not been previously published as pathogenic or benign to our knowledge

PreventionGenetics, part of Exact Sciences
Classification: Uncertain significance for KAT6A-related condition. Last evaluated: 2024-04-18. Review status: no assertion criteria provided. Collection method: clinical testing. Allele origin: germline. Not counted in ClinVar's aggregate classification.
Comment: The KAT6A c.2498A>G variant is predicted to result in the amino acid substitution p.Lys833Arg. To our knowledge, this variant has not been reported in the literature or in a large population database, indicating this variant is rare. At this time, the clinical significance of this variant is uncertain due to the absence of conclusive functional and genetic evidence.